The following is an entry in ClinVar:

ClinVar aggregate classification (germline): Conflicting classifications of pathogenicity. Review status: criteria provided, conflicting classifications (1 of 4 stars). 9 submissions from 9 submitters: Likely pathogenic (1); Uncertain significance (7). 1 of the submissions does not count toward it. Last evaluated 2025-11-10.

Conditions:
Inborn genetic diseases. Identifiers: MedGen C0950123, MeSH D030342.
Usher syndrome type 1C. Also called: USHER SYNDROME, TYPE I, ACADIAN VARIETY. Identifiers: Orphanet 231169, Orphanet 886, MedGen C1848604, MONDO:0010171, OMIM 276904.
USH1C-related disorder. Also called: USH1C-related condition.

Allele frequency attached by ClinVar (database versions not stated): TOPMed 0.00006; ExAC 0.00001; gnomAD 0.00003; gnomAD exomes 0.00003.

Submissions (9):

PreventionGenetics, part of Exact Sciences
Classification: Uncertain significance for USH1C-related condition. Last evaluated: 2025-11-10. Review status: criteria provided, single submitter. Criteria: ACMG Guidelines, 2015. Collection method: clinical testing. Allele origin: germline.
Comment: The USH1C c.121G>A variant is predicted to result in the amino acid substitution p.Val41Met. This variant has been reported in the heterozygous state in an individual with hearing loss along with a variant in another gene (Tlili et al. 2024. PubMedID:38844983). It has also been reported in an individual with isolated congenital heart defects along with variants in several genes (Table S5, Meerschaut et al. 2022. PubMed ID: 35885997). This variant is reported in 0.0047% of alleles in individuals of European (Non-Finnish) descent in gnomAD. At this time, the clinical significance of this variant is uncertain due to the absence of conclusive functional and genetic evidence.

Blueprint Genetics
Classification: Uncertain significance. Last evaluated: 2024-09-24. Review status: criteria provided, single submitter. Criteria: ACMG Guidelines, 2015. Collection method: clinical testing. Allele origin: germline.

Laboratory of Prof. Karen Avraham, Tel Aviv University
Classification: Likely pathogenic for Usher syndrome type 1C. Last evaluated: 2024-06-10. Review status: criteria provided, single submitter. Criteria: ACMG Guidelines, 2015. Collection method: research. Allele origin: germline. Affected: yes. Observed: 1 variant allele.
Comment: Homozigosity of a very rare variant in a known deafness gene predicted deleterious by many prediction programs

Autosomal recessive moderate-severe HL

Labcorp Genetics (formerly Invitae), Labcorp
Classification: Uncertain significance. Last evaluated: 2022-07-19. Review status: criteria provided, single submitter. Criteria: Invitae Variant Classification Sherloc (09022015). Collection method: clinical testing. Allele origin: germline.
Comment: This sequence change replaces valine, which is neutral and non-polar, with methionine, which is neutral and non-polar, at codon 41 of the USH1C protein (p.Val41Met). This variant is present in population databases (rs780439529, gnomAD 0.004%). This variant has not been reported in the literature in individuals affected with USH1C-related conditions. ClinVar contains an entry for this variant (Variation ID: 929925). Algorithms developed to predict the effect of missense changes on protein structure and function are either unavailable or do not agree on the potential impact of this missense change (SIFT: "Tolerated"; PolyPhen-2: "Possibly Damaging"; Align-GVGD: "Class C0"). In summary, the available evidence is currently insufficient to determine the role of this variant in disease. Therefore, it has been classified as a Variant of Uncertain Significance.

Ambry Genetics
Classification: Uncertain significance for Inborn genetic diseases. Last evaluated: 2021-09-16. Review status: criteria provided, single submitter. Criteria: Ambry Variant Classification Scheme 2023. Collection method: clinical testing. Allele origin: germline.

GeneDx
Classification: Uncertain significance. Last evaluated: 2021-08-26. Review status: criteria provided, single submitter. Criteria: GeneDx Variant Classification Process June 2021. Collection method: clinical testing. Allele origin: germline. Affected: yes.
Comment: Not observed at significant frequency in large population cohorts (Lek et al., 2016); In silico analysis supports that this missense variant does not alter protein structure/function; Has not been previously published as pathogenic or benign to our knowledge

Laboratory for Molecular Medicine, Mass General Brigham Personalized Medicine
Classification: Uncertain significance. Last evaluated: 2019-07-09. Review status: criteria provided, single submitter. Criteria: LMM Criteria. Collection method: clinical testing. Allele origin: germline. Observed: 1 variant allele.
Comment: The p.Val41Met variant in USH1C has not been previously reported in individuals with hearing loss or Usher syndrome but has been identified in 0.005% (6/128842) of European chromosomes by gnomAD. Computational prediction tools and conservation analysis do not provide strong support for or against an impact to the protein. In summary, the clinical significance of this variant is uncertain. ACMG/AMP Criteria applied: PM2.

Breakthrough Genomics
Classification: Uncertain significance. Review status: criteria provided, single submitter. Criteria: ACMG Guidelines, 2015. Collection method: not provided. Allele origin: germline. Inheritance: Autosomal recessive inheritance. Affected: yes.

Natera, Inc.
Classification: Uncertain significance for Usher syndrome type 1C. Last evaluated: 2020-02-13. Review status: no assertion criteria provided. Collection method: clinical testing. Allele origin: germline. Not counted in ClinVar's aggregate classification.

NM_153676.4(USH1C):c.121G>A (p.Val41Met)

Gene: USH1C (USH1 protein network component harmonin; minus strand). Cytogenetic location: 11p15.1.
Variant type: single nucleotide variant.
Coding change: c.121G>A on transcript NM_153676.4 (MANE Select); coding-DNA position 121, G replaced by A.
Protein change: p.Val41Met; replaces valine 41 with methionine.
Molecular consequence: missense variant. On other transcripts: non-coding transcript variant (1).
Genome position (GRCh38, 1-based): chr11:17,531,526, C>T on the plus strand (G>A on the coding strand, the complement: USH1C is on the minus strand). VCF-style: chr11-17531526-C-T. GRCh37 (hg19) VCF-style: chr11-17553073-C-T.
Other names: c.121G>A (NM_153676.3); c.121G>A, p.Val41Met (NM_001297764.2, NM_005709.4); short protein forms V41M.
Identifiers: ClinVar variation 929925 (VCV000929925.13), dbSNP rs780439529, ClinGen allele CA5905159.